The following is an entry in ClinVar:

ClinVar aggregate classification (germline): Pathogenic (1 of 4 stars; one submission).

Submission:

Labcorp Genetics (formerly Invitae), Labcorp
Classification: Pathogenic. Last evaluated: 2023-02-21. Review status: criteria provided, single submitter. Criteria: Invitae Variant Classification Sherloc (09022015). Collection method: clinical testing. Allele origin: germline.
Comment: For these reasons, this variant has been classified as Pathogenic. This variant has not been reported in the literature in individuals affected with OTOF-related conditions. This variant is not present in population databases (gnomAD no frequency). This sequence change creates a premature translational stop signal (p.Arg1080Leufs*66) in the OTOF gene. It is expected to result in an absent or disrupted protein product. Loss-of-function variants in OTOF are known to be pathogenic (PMID: 18381613, 19250381, 22575033).

Literature cited by the submitters: PubMed 18381613; PubMed 19250381; PubMed 22575033.

NM_194248.3(OTOF):c.3239del (p.Arg1080fs)

Gene: OTOF (otoferlin; minus strand). Cytogenetic location: 2p23.3.
Variant type: Deletion.
Coding change: c.3239del on transcript NM_194248.3 (MANE Select); coding-DNA position 3239, one base deleted (G; older notation c.3239delG).
Protein change: p.Arg1080fs; shifts the reading frame from arginine 1080.
Molecular consequence: frameshift variant.
Genome position (GRCh38, 1-based): chr2:26,474,562, C deleted on the plus strand (G on the coding strand, the reverse complement: OTOF is on the minus strand). VCF-style (leftmost placement, unchanged base first): chr2-26474561-AC-A. GRCh37 (hg19) VCF-style: chr2-26697429-AC-A.
Other names: c.998del, p.Arg333fs (NM_004802.4, NM_194323.3); c.1169del, p.Arg390fs (NM_194322.3); c.3239del, p.Arg1080fs (NM_001287489.2); short protein forms R333fs, R390fs, R1080fs.
Identifiers: ClinVar variation 3005142 (VCV003005142.3), dbSNP rs2465573825, ClinGen allele CA2740092764.
Genomic context (GRCh38, chr2:26,474,561, plus strand): 5'-CTGCAGTCCCACCTGCAGCAGCTCGAAGGCCGCCAGCAGGTCTCCAGCTGTGGCGTTGCC[AC>A]GGTAGATCTGGTAGTACTCGAGCTGAGGTGGGAAGCGGGGTGGGCAGTACGCCTCGTCTG-3'